The following is an entry in ClinVar:

ClinVar aggregate classification (germline): Uncertain significance. Review status: criteria provided, multiple submitters, no conflicts (2 of 4 stars). 3 submissions from 3 submitters: Uncertain significance (3). Last evaluated 2026-06-28.

Conditions:
Inborn genetic diseases. Identifiers: MedGen C0950123, MeSH D030342.

Allele frequency attached by ClinVar (database versions not stated): gnomAD 0.00002; TOPMed 0.00004.
gnomAD v4.1: 24 of 1,613,932 alleles (0.0015%); highest among the groups gnomAD compares: African/African-American, 0.004%; no homozygotes.

Submissions (3):

Ambry Genetics
Classification: Uncertain significance for Inborn genetic diseases. Last evaluated: 2026-06-28. Review status: criteria provided, single submitter. Criteria: Ambry Variant Classification Scheme 2023. Collection method: clinical testing. Allele origin: germline.

GeneDx
Classification: Uncertain significance. Last evaluated: 2025-05-21. Review status: criteria provided, single submitter. Criteria: GeneDx Variant Classification Process June 2021. Collection method: clinical testing. Allele origin: germline. Affected: yes.
Comment: In silico analysis supports that this missense variant has a deleterious effect on protein structure/function; Has not been previously published as pathogenic or benign to our knowledge

Labcorp Genetics (formerly Invitae), Labcorp
Classification: Uncertain significance. Last evaluated: 2023-12-01. Review status: criteria provided, single submitter. Criteria: Invitae Variant Classification Sherloc (09022015). Collection method: clinical testing. Allele origin: germline.
Comment: This sequence change replaces arginine, which is basic and polar, with tryptophan, which is neutral and slightly polar, at codon 851 of the NALCN protein (p.Arg851Trp). This variant is present in population databases (no rsID available, gnomAD 0.007%). This variant has not been reported in the literature in individuals affected with NALCN-related conditions. ClinVar contains an entry for this variant (Variation ID: 1704841). Advanced modeling of protein sequence and biophysical properties (such as structural, functional, and spatial information, amino acid conservation, physicochemical variation, residue mobility, and thermodynamic stability) performed at Invitae indicates that this missense variant is not expected to disrupt NALCN protein function with a negative predictive value of 80%. In summary, the available evidence is currently insufficient to determine the role of this variant in disease. Therefore, it has been classified as a Variant of Uncertain Significance.

NM_052867.4(NALCN):c.2551C>T (p.Arg851Trp)

Gene: NALCN (sodium leak channel, non-selective; minus strand). Cytogenetic location: 13q33.1.
Variant type: single nucleotide variant.
Coding change: c.2551C>T on transcript NM_052867.4 (MANE Select); coding-DNA position 2551, C replaced by T.
Protein change: p.Arg851Trp; replaces arginine 851 with tryptophan.
Molecular consequence: missense variant.
Genome position (GRCh38, 1-based): chr13:101,107,515, G>A on the plus strand (C>T on the coding strand, the complement: NALCN is on the minus strand). VCF-style: chr13-101107515-G-A. GRCh37 (hg19) VCF-style: chr13-101759866-G-A.
Other names: c.2638C>T, p.Arg880Trp (NM_001350748.2); c.2551C>T, p.Arg851Trp (NM_001350749.2); c.2464C>T, p.Arg822Trp (NM_001350750.2, NM_001350751.2); short protein forms R822W, R851W, R880W.
Identifiers: ClinVar variation 1704841 (VCV001704841.7), dbSNP rs1464580245, ClinGen allele CA388670255.